The following is an entry in ClinVar:

NM_020831.6(MRTFA):c.1568_1594del (p.Ala523_Val531del)

Gene: MRTFA (myocardin related transcription factor A; minus strand). Cytogenetic location: 22q13.1.
Variant type: Deletion.
Coding change: c.1568_1594del on transcript NM_020831.6 (MANE Select); coding-DNA positions 1568 to 1594, 27 bases deleted (CAGCAGGCCTGGCTCCAGCTGAGGTGG).
Protein change: p.Ala523_Val531del.
Molecular consequence: inframe deletion.
Genome position (GRCh38, 1-based): chr22:40,419,144-40,419,170, CCACCTCAGCTGGAGCCAGGCCTGCTG deleted on the plus strand (CAGCAGGCCTGGCTCCAGCTGAGGTGG on the coding strand, the reverse complement: MRTFA is on the minus strand); deleting any 27 consecutive bases within chr22:40,419,144-40,419,175 gives the same sequence; the c. name uses the placement nearest the transcript's 3' end. VCF-style (leftmost placement, unchanged base first): chr22-40419143-ACCACCTCAGCTGGAGCCAGGCCTGCTG-A. GRCh37 (hg19) VCF-style: chr22-40815147-ACCACCTCAGCTGGAGCCAGGCCTGCTG-A.
Other names: c.1268_1294del, p.Ala423_Val431del (NM_001282660.2); c.1418_1444del, p.Ala473_Val481del (NM_001282661.3); c.1568_1594del, p.Ala523_Val531del (NM_001282662.3); c.1373_1399del, p.Ala458_Val466del (NM_001318139.2).
Identifiers: ClinVar variation 1683072 (VCV001683072.8), dbSNP rs2147069165, ClinGen allele CA2573158197.
Genomic context (GRCh38, chr22:40,419,143, plus strand): 5'-GGGGGCGTGGAGCCCGTGCTGCCAAACTTCACCACCCCACTGCTGGCCACCGTGGCCACC[ACCACCTCAGCTGGAGCCAGGCCTGCTG>A]CCACCAGGGCTGGCCCCGTGCTCAGCCGGGCCGCTGGGAAGGCTACCACCACCTCGCCAG-3'

ClinVar aggregate classification (germline): Uncertain significance (1 of 4 stars; one submission).

Submission:

Labcorp Genetics (formerly Invitae), Labcorp
Classification: Uncertain significance. Last evaluated: 2021-04-27. Review status: criteria provided, single submitter. Criteria: Invitae Variant Classification Sherloc (09022015). Collection method: clinical testing. Allele origin: germline.
Comment: In summary, the available evidence is currently insufficient to determine the role of this variant in disease. Therefore, it has been classified as a Variant of Uncertain Significance. Experimental studies and prediction algorithms are not available or were not evaluated, and the functional significance of this variant is currently unknown. This variant has not been reported in the literature in individuals with MKL1-related conditions. This variant is not present in population databases (ExAC no frequency). This variant, c.1268_1294del, results in the deletion of 9 amino acid(s) of the MKL1 protein (p.Ala423_Val431del), but otherwise preserves the integrity of the reading frame.